The following is an entry in ClinVar:

ClinVar aggregate classification (germline): Uncertain significance (1 of 4 stars; one submission).

Allele frequency attached by ClinVar (database versions not stated): gnomAD exomes below 0.00001; TOPMed below 0.00001.
gnomAD v4.1: 1 of 1,613,186 alleles (0.000062%); highest among the groups gnomAD compares: Non-Finnish European, 0.000085%; no homozygotes.

Submission:

Labcorp Genetics (formerly Invitae), Labcorp
Classification: Uncertain significance. Last evaluated: 2021-07-27. Review status: criteria provided, single submitter. Criteria: Invitae Variant Classification Sherloc (09022015). Collection method: clinical testing. Allele origin: germline.
Comment: This variant is not present in population databases (ExAC no frequency). This sequence change replaces valine with alanine at codon 387 of the CLCN7 protein (p.Val387Ala). The valine residue is weakly conserved and there is a small physicochemical difference between valine and alanine. This variant has not been reported in the literature in individuals with CLCN7-related conditions. In summary, the available evidence is currently insufficient to determine the role of this variant in disease. Therefore, it has been classified as a Variant of Uncertain Significance. Advanced modeling of protein sequence and biophysical properties (such as structural, functional, and spatial information, amino acid conservation, physicochemical variation, residue mobility, and thermodynamic stability) performed at Invitae indicates that this missense variant is not expected to disrupt CLCN7 protein function.

NM_001287.6(CLCN7):c.1160T>C (p.Val387Ala)

Gene: CLCN7 (chloride voltage-gated channel 7; minus strand). Cytogenetic location: 16p13.3.
Variant type: single nucleotide variant.
Coding change: c.1160T>C on transcript NM_001287.6 (MANE Select); coding-DNA position 1160, T replaced by C.
Protein change: p.Val387Ala; replaces valine 387 with alanine.
Molecular consequence: missense variant.
Genome position (GRCh38, 1-based): chr16:1,453,888, A>G on the plus strand (T>C on the coding strand, the complement: CLCN7 is on the minus strand). VCF-style: chr16-1453888-A-G. GRCh37 (hg19) VCF-style: chr16-1503889-A-G.
Other names: c.1088T>C, p.Val363Ala (NM_001114331.3); short protein forms V363A, V387A.
Identifiers: ClinVar variation 1400548 (VCV001400548.8), dbSNP rs1350110258, ClinGen allele CA394189442.
Genomic context (GRCh38, chr16:1,453,888, plus strand): 5'-CCTCACCTGATTCGAAACATGGTCAGCCAGTAGTTCAAGGCATTGAACACTGCTCCAAGC[A>G]CACCGCCTGCGAACAGGGGAAAGGCCAGTCAGCGACACCGGAGGAAAAGTGCGGGCCTCC-3'
Protein context (NP_001278.1, residues 377-397): VFIAMGVVGG[Val387Ala]LGAVFNALNY